The following is an entry in ClinVar:

NM_004006.3(DMD):c.874C>T (p.Pro292Ser)

Gene: DMD (dystrophin; minus strand). Cytogenetic location: Xp21.1.
Variant type: single nucleotide variant.
Coding change: c.874C>T on transcript NM_004006.3 (MANE Select); coding-DNA position 874, C replaced by T.
Protein change: p.Pro292Ser; replaces proline 292 with serine.
Molecular consequence: missense variant.
Genome position (GRCh38, 1-based): chrX:32,697,956, G>A on the plus strand (C>T on the coding strand, the complement: DMD is on the minus strand). VCF-style: chrX-32697956-G-A. GRCh37 (hg19) VCF-style: chrX-32716073-G-A.
Other names: c.850C>T, p.Pro284Ser (NM_000109.4); c.862C>T, p.Pro288Ser (NM_004009.3); c.505C>T, p.Pro169Ser (NM_004010.3); short protein forms P169S, P284S, P288S, P292S.
Identifiers: ClinVar variation 2107099 (VCV002107099.5), dbSNP rs2521103102, ClinGen allele CA412668641.

ClinVar aggregate classification (germline): Uncertain significance. Review status: criteria provided, multiple submitters, no conflicts (2 of 4 stars). 2 submissions from 2 submitters: Uncertain significance (2). Last evaluated 2023-12-16.

Conditions:
DMD-related disorder. Also called: DMD-related condition.
Duchenne muscular dystrophy (DMD). Also called: MUSCULAR DYSTROPHY, PSEUDOHYPERTROPHIC PROGRESSIVE, DUCHENNE TYPE; Duchenne Muscular Dystrophy (DMD). Identifiers: Orphanet 98896, MedGen C0013264, MONDO:0010679, OMIM 310200.

Allele frequency attached by ClinVar (database versions not stated): gnomAD exomes below 0.00001.
gnomAD v4.1: 1 of 1,204,538 alleles (0.000083%); highest among the groups gnomAD compares: Non-Finnish European, 0.00011%; no homozygotes.

Submissions (2):

Labcorp Genetics (formerly Invitae), Labcorp
Classification: Uncertain significance for Duchenne muscular dystrophy. Last evaluated: 2023-12-16. Review status: criteria provided, single submitter. Criteria: Invitae Variant Classification Sherloc (09022015). Collection method: clinical testing. Allele origin: germline.
Comment: This sequence change replaces proline, which is neutral and non-polar, with serine, which is neutral and polar, at codon 292 of the DMD protein (p.Pro292Ser). This variant is not present in population databases (gnomAD no frequency). This variant has not been reported in the literature in individuals affected with DMD-related conditions. ClinVar contains an entry for this variant (Variation ID: 2107099). Advanced modeling of protein sequence and biophysical properties (such as structural, functional, and spatial information, amino acid conservation, physicochemical variation, residue mobility, and thermodynamic stability) performed at Invitae indicates that this missense variant is not expected to disrupt DMD protein function with a negative predictive value of 95%. In summary, the available evidence is currently insufficient to determine the role of this variant in disease. Therefore, it has been classified as a Variant of Uncertain Significance.

PreventionGenetics, part of Exact Sciences
Classification: Uncertain significance for DMD-related condition. Last evaluated: 2022-08-26. Review status: criteria provided, single submitter. Criteria: ACMG Guidelines, 2015. Collection method: clinical testing. Allele origin: germline.
Comment: The DMD c.874C>T variant is predicted to result in the amino acid substitution p.Pro292Ser. To our knowledge, this variant has not been reported in the literature or in a large population database, indicating this variant is rare. At this time, the clinical significance of this variant is uncertain due to the absence of conclusive functional and genetic evidence.